The following is an entry in ClinVar:

NM_000051.4(ATM):c.7386C>G (p.Phe2462Leu)

Genes: ATM (ATM serine/threonine kinase; plus strand), C11orf65 (chromosome 11 open reading frame 65; minus strand). Cytogenetic location: 11q22.3.
Variant type: single nucleotide variant.
Coding change: c.7386C>G on transcript NM_000051.4 (MANE Select); coding-DNA position 7386, C replaced by G.
Protein change: p.Phe2462Leu; replaces phenylalanine 2462 with leucine.
Molecular consequence: missense variant. On other transcripts: intron variant (2).
Genome position (GRCh38, 1-based): chr11:108,330,292, C>G. VCF-style: chr11-108330292-C-G. GRCh37 (hg19) VCF-style: chr11-108201019-C-G.
Other names: c.7386C>G, p.Phe2462Leu (NM_001351834.2); c.641-21221G>C (NM_001330368.2); c.*38+4928G>C (NM_001351110.2); short protein forms F2462L.
Identifiers: ClinVar variation 1493123 (VCV001493123.4), dbSNP rs2136456889, ClinGen allele CA382560041.

ClinVar aggregate classification (germline): Uncertain significance (1 of 4 stars; one submission).

Conditions:
Ataxia-telangiectasia syndrome (AT). Also called: LOUIS-BAR SYNDROME; Cerebello-oculocutaneous telangiectasia; Immunodeficiency with ataxia telangiectasia; Ataxia telangiectasia (A-T); Ataxia-telangiectasia, complementation group D; AT, COMPLEMENTATION GROUP C. Identifiers: Orphanet 100, MedGen C0004135, MONDO:0008840, OMIM 208900.

Submission:

Labcorp Genetics (formerly Invitae), Labcorp
Classification: Uncertain significance for Ataxia-telangiectasia syndrome. Last evaluated: 2022-09-19. Review status: criteria provided, single submitter. Criteria: Invitae Variant Classification Sherloc (09022015). Collection method: clinical testing. Allele origin: germline.
Comment: This sequence change replaces phenylalanine, which is neutral and non-polar, with leucine, which is neutral and non-polar, at codon 2462 of the ATM protein (p.Phe2462Leu). This variant is not present in population databases (gnomAD no frequency). This variant has not been reported in the literature in individuals affected with ATM-related conditions. ClinVar contains an entry for this variant (Variation ID: 1493123). Algorithms developed to predict the effect of missense changes on protein structure and function are either unavailable or do not agree on the potential impact of this missense change (SIFT: "Deleterious"; PolyPhen-2: "Possibly Damaging"; Align-GVGD: "Class C15"). In summary, the available evidence is currently insufficient to determine the role of this variant in disease. Therefore, it has been classified as a Variant of Uncertain Significance.